The following is an entry in ClinVar:

ClinVar aggregate classification (germline): Pathogenic (1 of 4 stars; one submission).

Conditions:
Abetalipoproteinaemia (ABL). Also called: MTP DEFICIENCY; Abetalipoproteinemia; Abetalipoproteinemia neuropathy; Apolipoprotein B deficiency; Congenital betalipoprotein deficiency syndrome. Identifiers: Orphanet 14, MedGen C0000744, MONDO:0008692, OMIM 200100, HP:0008181.

Submission:

Myriad Genetics, Inc.
Classification: Pathogenic for Abetalipoproteinaemia. Last evaluated: 2025-09-03. Review status: criteria provided, single submitter. Criteria: Myriad Autosomal Dominant, Autosomal Recessive and X-Linked Classification Criteria (2023). Collection method: clinical testing. Allele origin: unknown.
Comment: NM_000253.2(MTTP):c.1007_1008dupTC(R337Sfs*13) is expected to be pathogenic in the context of abetalipoproteinemia. This variant is predicted to lead to an abnormal or absent protein product due to the creation of a premature termination codon in MTTP, a gene where loss-of-function variants are known to be pathogenic. Please note: this variant was assessed in the context of healthy population screening.

NM_001386140.1(MTTP):c.1007_1008dup (p.Arg337fs)

Gene: MTTP (microsomal triglyceride transfer protein; plus strand). Cytogenetic location: 4q23.
Variant type: Duplication.
Coding change: c.1007_1008dup on transcript NM_001386140.1 (MANE Select); coding-DNA positions 1007 to 1008, 2 bases duplicated (TC; older notation c.1007_1008dupTC).
Protein change: p.Arg337fs; shifts the reading frame from arginine 337.
Molecular consequence: frameshift variant.
Genome position (GRCh38, 1-based): chr4:99,597,164-99,597,165, TC duplicated; duplicating any 2 consecutive bases within chr4:99,597,163-99,597,165 gives the same sequence; the c. name uses the placement nearest the transcript's 3' end. VCF-style (leftmost placement, unchanged base first): chr4-99597162-C-CCT. GRCh37 (hg19) VCF-style: chr4-100518319-C-CCT.
Other names: c.1007_1008dup, p.Arg337fs (NM_000253.4); c.758_759dup, p.Arg254fs (NM_001300785.2); short protein forms R254fs, R337fs.
Identifiers: ClinVar variation 5014933 (VCV005014933.1).